The following is an entry in ClinVar:

NM_004369.4(COL6A3):c.3026T>G (p.Ile1009Arg)

Gene: COL6A3 (collagen type VI alpha 3 chain; minus strand). Cytogenetic location: 2q37.3.
Variant type: single nucleotide variant.
Coding change: c.3026T>G on transcript NM_004369.4 (MANE Select); coding-DNA position 3026, T replaced by G.
Protein change: p.Ile1009Arg; replaces isoleucine 1009 with arginine.
Molecular consequence: missense variant.
Genome position (GRCh38, 1-based): chr2:237,376,816, A>C on the plus strand (T>G on the coding strand, the complement: COL6A3 is on the minus strand). VCF-style: chr2-237376816-A-C. GRCh37 (hg19) VCF-style: chr2-238285459-A-C.
Other names: c.1805T>G, p.Ile602Arg (NM_057164.5); c.2408T>G, p.Ile803Arg (NM_057165.5, NM_057167.4); c.1205T>G, p.Ile402Arg (NM_057166.5); short protein forms I402R, I602R, I803R, I1009R.
Identifiers: ClinVar variation 1956950 (VCV001956950.6), dbSNP rs2469912737, ClinGen allele CA351206885.

ClinVar aggregate classification (germline): Uncertain significance. Review status: criteria provided, multiple submitters, no conflicts (2 of 4 stars). 2 submissions from 2 submitters: Uncertain significance (2). Last evaluated 2025-02-18.

Conditions:
COL6A3-related disorder. Also called: COL6A3-related condition; COL6A3-related disorders.
Bethlem myopathy 1A. Also called: MYOPATHY, BENIGN CONGENITAL, WITH CONTRACTURES; Bethlem Muscular Dystrophy; Bethlem myopathy 1. Identifiers: Orphanet 610, MedGen CN029274, MONDO:0024530, OMIM 158810.

Submissions (2):

PreventionGenetics, part of Exact Sciences
Classification: Uncertain significance for COL6A3-related condition. Last evaluated: 2025-02-18. Review status: criteria provided, single submitter. Criteria: ACMG Guidelines, 2015. Collection method: clinical testing. Allele origin: germline.
Comment: The COL6A3 c.3026T>G variant is predicted to result in the amino acid substitution p.Ile1009Arg. To our knowledge, this variant has not been reported in the literature or in a large population database (gnomAD), indicating this variant is rare. At this time, the clinical significance of this variant is uncertain due to the absence of conclusive functional and genetic evidence.

Labcorp Genetics (formerly Invitae), Labcorp
Classification: Uncertain significance for Bethlem myopathy 1A. Last evaluated: 2022-08-25. Review status: criteria provided, single submitter. Criteria: Invitae Variant Classification Sherloc (09022015). Collection method: clinical testing. Allele origin: germline.
Comment: In summary, the available evidence is currently insufficient to determine the role of this variant in disease. Therefore, it has been classified as a Variant of Uncertain Significance. Advanced modeling of protein sequence and biophysical properties (such as structural, functional, and spatial information, amino acid conservation, physicochemical variation, residue mobility, and thermodynamic stability) performed at Invitae indicates that this missense variant is not expected to disrupt COL6A3 protein function. This variant has not been reported in the literature in individuals affected with COL6A3-related conditions. This variant is not present in population databases (gnomAD no frequency). This sequence change replaces isoleucine, which is neutral and non-polar, with arginine, which is basic and polar, at codon 1009 of the COL6A3 protein (p.Ile1009Arg).